The following is an entry in ClinVar:

ClinVar aggregate classification (germline): Uncertain significance (1 of 4 stars; one submission).

Submission:

GeneDx
Classification: Uncertain significance. Last evaluated: 2025-01-08. Review status: criteria provided, single submitter. Criteria: GeneDx Variant Classification Process June 2021. Collection method: clinical testing. Allele origin: germline. Affected: yes.
Comment: Not observed at significant frequency in large population cohorts (gnomAD); In silico analysis supports that this missense variant has a deleterious effect on protein structure/function; Has not been previously published as pathogenic or benign to our knowledge

NM_018896.5(CACNA1G):c.5327G>A (p.Cys1776Tyr)

Gene: CACNA1G (calcium voltage-gated channel subunit alpha1 G; plus strand). Cytogenetic location: 17q21.33.
Variant type: single nucleotide variant.
Coding change: c.5327G>A on transcript NM_018896.5 (MANE Select); coding-DNA position 5327, G replaced by A.
Protein change: p.Cys1776Tyr; replaces cysteine 1776 with tyrosine.
Molecular consequence: missense variant. On other transcripts: non-coding transcript variant (5).
Genome position (GRCh38, 1-based): chr17:50,618,243, G>A. VCF-style: chr17-50618243-G-A. GRCh37 (hg19) VCF-style: chr17-48695604-G-A.
Other names: c.5273G>A, p.Cys1758Tyr (NM_001256324.2, NM_198386.3); c.5348G>A, p.Cys1783Tyr (NM_001256325.2); c.5192G>A, p.Cys1731Tyr (NM_001256326.2, NM_001256330.2); c.5306G>A, p.Cys1769Tyr (NM_001256327.2); c.5252G>A, p.Cys1751Tyr (NM_001256328.2); c.5225G>A, p.Cys1742Tyr (NM_001256329.2, NM_198376.3, NM_198379.3 and 2 more transcripts); c.5171G>A, p.Cys1724Tyr (NM_001256331.2); c.5156G>A, p.Cys1719Tyr (NM_001256332.2); and 7 more; short protein forms C1719Y, C1724Y, C1731Y, C1735Y, C1738Y, C1740Y, C1742Y, C1749Y.
Identifiers: ClinVar variation 3371886 (VCV003371886.2).